The following is an entry in ClinVar:

NM_001148.6(ANK2):c.11131A>G (p.Ile3711Val)

Gene: ANK2 (ankyrin 2; plus strand). Cytogenetic location: 4q26.
Variant type: single nucleotide variant.
Coding change: c.11131A>G on transcript NM_001148.6 (MANE Select); coding-DNA position 11131, A replaced by G.
Protein change: p.Ile3711Val; replaces isoleucine 3711 with valine.
Molecular consequence: missense variant.
Genome position (GRCh38, 1-based): chr4:113,367,664, A>G. VCF-style: chr4-113367664-A-G. GRCh37 (hg19) VCF-style: chr4-114288820-A-G.
Other names: c.2404A>G, p.Ile802Val (NM_001354281.2, NM_001354278.2); c.2440A>G, p.Ile814Val (NM_001354282.2, NM_001354279.2); c.10897A>G, p.Ile3633Val (NM_001386142.1); c.4813A>G, p.Ile1605Val (NM_001386143.1, NM_001354243.2, NM_001354255.2); c.4921A>G, p.Ile1641Val (NM_001386144.1, NM_001354240.2, NM_001354241.2); c.4657A>G, p.Ile1553Val (NM_001386146.1, NM_001386150.1, NM_001386149.1 and 1 more transcripts); c.4702A>G, p.Ile1568Val (NM_001386147.1); c.4861A>G, p.Ile1621Val (NM_001386148.2, NM_001386186.2); and 35 more; short protein forms I1531V, I1539V, I1592V, I1604V, I1605V, I1625V, I1640V, I3633V.
Identifiers: ClinVar variation 1795522 (VCV001795522.9), dbSNP rs779012880, ClinGen allele CA3052234.

ClinVar aggregate classification (germline): Conflicting classifications of pathogenicity. Review status: criteria provided, conflicting classifications (1 of 4 stars). 4 submissions from 4 submitters: Uncertain significance (2); Likely benign (1). 1 of the submissions does not count toward it. Last evaluated 2023-05-12.

Conditions:
Long QT syndrome (LQTS). Identifiers: MedGen C0023976, MeSH D008133, MONDO:0002442. Disease mechanism: loss of function. Inheritance: Various modes of inheritance.
Cardiovascular phenotype. Identifiers: MedGen CN230736.
ANK2-related disorder. Also called: ANK2-related condition.

Allele frequency attached by ClinVar (database versions not stated): gnomAD 0.00001; ExAC 0.00002.
gnomAD v4.1: 9 of 1,613,842 alleles (0.00056%); highest among the groups gnomAD compares: East Asian, 0.0089%; no homozygotes.

Submissions (4):

Blueprint Genetics
Classification: Likely benign. Last evaluated: 2023-05-12. Review status: criteria provided, single submitter. Criteria: ACMG Guidelines, 2015. Collection method: clinical testing. Allele origin: germline.

Labcorp Genetics (formerly Invitae), Labcorp
Classification: Uncertain significance for Long QT syndrome. Last evaluated: 2022-06-08. Review status: criteria provided, single submitter. Criteria: Invitae Variant Classification Sherloc (09022015). Collection method: clinical testing. Allele origin: germline.
Comment: This sequence change replaces isoleucine, which is neutral and non-polar, with valine, which is neutral and non-polar, at codon 3711 of the ANK2 protein (p.Ile3711Val). This variant is present in population databases (rs779012880, gnomAD 0.01%). This variant has not been reported in the literature in individuals affected with ANK2-related conditions. Algorithms developed to predict the effect of missense changes on protein structure and function output the following: SIFT: "Tolerated"; PolyPhen-2: "Benign"; Align-GVGD: "Class C0". The valine amino acid residue is found in multiple mammalian species, which suggests that this missense change does not adversely affect protein function. In summary, the available evidence is currently insufficient to determine the role of this variant in disease. Therefore, it has been classified as a Variant of Uncertain Significance.

Ambry Genetics
Classification: Uncertain significance for Cardiovascular phenotype. Last evaluated: 2020-05-11. Review status: criteria provided, single submitter. Criteria: Ambry Variant Classification Scheme 2023. Collection method: clinical testing. Allele origin: germline.
Comment: The p.I3711V variant (also known as c.11131A>G), located in coding exon 42 of the ANK2 gene, results from an A to G substitution at nucleotide position 11131. The isoleucine at codon 3711 is replaced by valine, an amino acid with highly similar properties. This amino acid position is not well conserved in available vertebrate species, and valine is the reference amino acid in other vertebrate species. In addition, this alteration is predicted to be tolerated by in silico analysis. Since supporting evidence is limited at this time, the clinical significance of this alteration remains unclear.

PreventionGenetics, part of Exact Sciences
Classification: Uncertain significance for ANK2-related condition. Last evaluated: 2024-04-15. Review status: no assertion criteria provided. Collection method: clinical testing. Allele origin: germline. Not counted in ClinVar's aggregate classification.
Comment: The ANK2 c.11131A>G variant is predicted to result in the amino acid substitution p.Ile3711Val. To our knowledge, this variant has not been reported in the literature. This variant is reported in 0.011% of alleles in individuals of East Asian descent in gnomAD. At this time, the clinical significance of this variant is uncertain due to the absence of conclusive functional and genetic evidence.